The following is an entry in ClinVar:

ClinVar aggregate classification (germline): Uncertain significance (1 of 4 stars; one submission).

Conditions:
Hereditary spastic paraplegia 75. Also called: Spastic paraplegia 75, autosomal recessive. Identifiers: Orphanet 459056, MedGen C4225250, MONDO:0014729, OMIM 616680.

Allele frequency attached by ClinVar (database versions not stated): gnomAD 0.00001; gnomAD exomes 0.00001 and 0.00002; TOPMed 0.00002; ExAC 0.00003.
gnomAD v4.1: 25 of 1,578,782 alleles (0.0016%); highest among the groups gnomAD compares: Non-Finnish European, 0.002%; no homozygotes.

Submission:

Labcorp Genetics (formerly Invitae), Labcorp
Classification: Uncertain significance for Hereditary spastic paraplegia 75. Last evaluated: 2024-10-29. Review status: criteria provided, single submitter. Criteria: Invitae Variant Classification Sherloc (09022015). Collection method: clinical testing. Allele origin: germline.
Comment: This sequence change replaces arginine, which is basic and polar, with glutamine, which is neutral and polar, at codon 190 of the MAG protein (p.Arg190Gln). The frequency data for this variant in the population databases is considered unreliable, as metrics indicate poor data quality at this position in the gnomAD database. This variant has not been reported in the literature in individuals affected with MAG-related conditions. ClinVar contains an entry for this variant (Variation ID: 1351102). Invitae Evidence Modeling of protein sequence and biophysical properties (such as structural, functional, and spatial information, amino acid conservation, physicochemical variation, residue mobility, and thermodynamic stability) indicates that this missense variant is not expected to disrupt MAG protein function with a negative predictive value of 80%. In summary, the available evidence is currently insufficient to determine the role of this variant in disease. Therefore, it has been classified as a Variant of Uncertain Significance.

NM_002361.4(MAG):c.569G>A (p.Arg190Gln)

Gene: MAG (myelin associated glycoprotein; plus strand). Cytogenetic location: 19q13.12.
Variant type: single nucleotide variant.
Coding change: c.569G>A on transcript NM_002361.4 (MANE Select); coding-DNA position 569, G replaced by A.
Protein change: p.Arg190Gln; replaces arginine 190 with glutamine.
Molecular consequence: missense variant.
Genome position (GRCh38, 1-based): chr19:35,299,707, G>A. VCF-style: chr19-35299707-G-A. GRCh37 (hg19) VCF-style: chr19-35790610-G-A.
Other names: c.494G>A, p.Arg165Gln (NM_001199216.2); c.569G>A, p.Arg190Gln (NM_080600.3); short protein forms R165Q, R190Q.
Identifiers: ClinVar variation 1351102 (VCV001351102.7), dbSNP rs760694257, ClinGen allele CA9376051.